The following is an entry in ClinVar:

NM_001376.5(DYNC1H1):c.13452G>C (p.Glu4484Asp)

Gene: DYNC1H1 (dynein cytoplasmic 1 heavy chain 1; plus strand). Cytogenetic location: 14q32.31.
Variant type: single nucleotide variant.
Coding change: c.13452G>C on transcript NM_001376.5 (MANE Select); coding-DNA position 13452, G replaced by C.
Protein change: p.Glu4484Asp; replaces glutamic acid 4484 with aspartic acid.
Molecular consequence: missense variant.
Genome position (GRCh38, 1-based): chr14:102,049,519, G>C. VCF-style: chr14-102049519-G-C. GRCh37 (hg19) VCF-style: chr14-102515856-G-C.
Other names: short protein forms E4484D.
Identifiers: ClinVar variation 1023497 (VCV001023497.8), dbSNP rs2048774638, ClinGen allele CA391049374.

ClinVar aggregate classification (germline): Uncertain significance (1 of 4 stars; one submission).

Conditions:
Charcot-Marie-Tooth disease axonal type 2O. Also called: CHARCOT-MARIE-TOOTH NEUROPATHY, AXONAL, TYPE 2O; CHARCOT-MARIE-TOOTH DISEASE, AXONAL, AUTOSOMAL DOMINANT, TYPE 2O; Charcot-Marie-Tooth Neuropathy Type 2O; Charcot-Marie-Tooth disease, axonal, type 20. Identifiers: Orphanet 284232, MedGen C3280220, MONDO:0013644, OMIM 614228.

Submission:

Labcorp Genetics (formerly Invitae), Labcorp
Classification: Uncertain significance for Charcot-Marie-Tooth disease axonal type 2O. Last evaluated: 2023-02-16. Review status: criteria provided, single submitter. Criteria: Invitae Variant Classification Sherloc (09022015). Collection method: clinical testing. Allele origin: germline.
Comment: This sequence change replaces glutamic acid, which is acidic and polar, with aspartic acid, which is acidic and polar, at codon 4484 of the DYNC1H1 protein (p.Glu4484Asp). This variant is not present in population databases (gnomAD no frequency). This variant has not been reported in the literature in individuals affected with DYNC1H1-related conditions. ClinVar contains an entry for this variant (Variation ID: 1023497). Advanced modeling of protein sequence and biophysical properties (such as structural, functional, and spatial information, amino acid conservation, physicochemical variation, residue mobility, and thermodynamic stability) performed at Invitae indicates that this missense variant is not expected to disrupt DYNC1H1 protein function. In summary, the available evidence is currently insufficient to determine the role of this variant in disease. Therefore, it has been classified as a Variant of Uncertain Significance.